The following is an entry in ClinVar:

ClinVar aggregate classification (germline): Uncertain significance (1 of 4 stars; one submission).

gnomAD v4.1: 21 of 1,614,000 alleles (0.0013%); highest among the groups gnomAD compares: Middle Eastern, 0.017%; no homozygotes.

Submission:

Labcorp Genetics (formerly Invitae), Labcorp
Classification: Uncertain significance. Last evaluated: 2024-07-27. Review status: criteria provided, single submitter. Criteria: Invitae Variant Classification Sherloc (09022015). Collection method: clinical testing. Allele origin: germline.
Comment: This sequence change replaces arginine, which is basic and polar, with cysteine, which is neutral and slightly polar, at codon 357 of the RFWD3 protein (p.Arg357Cys). This variant is present in population databases (rs753155721, gnomAD 0.02%). This variant has not been reported in the literature in individuals affected with RFWD3-related conditions. An algorithm developed to predict the effect of missense changes on protein structure and function (PolyPhen-2) suggests that this variant is likely to be disruptive. In summary, the available evidence is currently insufficient to determine the role of this variant in disease. Therefore, it has been classified as a Variant of Uncertain Significance.

NM_018124.4(RFWD3):c.1069C>T (p.Arg357Cys)

Gene: RFWD3 (ring finger and WD repeat domain 3; minus strand). Cytogenetic location: 16q23.1.
Variant type: single nucleotide variant.
Coding change: c.1069C>T on transcript NM_018124.4 (MANE Select); coding-DNA position 1069, C replaced by T.
Protein change: p.Arg357Cys; replaces arginine 357 with cysteine.
Molecular consequence: missense variant.
Genome position (GRCh38, 1-based): chr16:74,644,372, G>A on the plus strand (C>T on the coding strand, the complement: RFWD3 is on the minus strand). VCF-style: chr16-74644372-G-A. GRCh37 (hg19) VCF-style: chr16-74678270-G-A.
Other names: c.1069C>T, p.Arg357Cys (NM_001370534.1, NM_001370535.1, NM_001370536.1); c.235C>T, p.Arg79Cys (NM_001370537.1, NM_001370539.1, NM_001370540.1 and 2 more transcripts); short protein forms R357C, R79C.
Identifiers: ClinVar variation 3702016 (VCV003702016.2).
Genomic context (GRCh38, chr16:74,644,372, plus strand): 5'-ACAATGAACCAAAAGGGAACATTCCAGCCAGGCATACTCTTACCACCTACCTTTTCATGC[G>A]CTCCTGTTCACTAGTGTCCAAAGCTCTCAGGGTTCGGGCATAAAGGACGACAATGTCACT-3'
Protein context (NP_060594.3, residues 347-367): LRALDTSEQE[Arg357Cys]MKSSLLKEQM